The following is an entry in ClinVar:

ClinVar aggregate classification (germline): Uncertain significance (1 of 4 stars; one submission).

Conditions:
Wilms tumor 1 (WT1). Also called: Wilms tumor, somatic. Identifiers: Orphanet 654, MedGen CN033288, MONDO:0008679, OMIM 194070.

Allele frequency attached by ClinVar (database versions not stated): gnomAD exomes below 0.00001 and 0.00001; ExAC 0.00001; TOPMed 0.00002.
gnomAD v4.1: 1 of 1,211,768 alleles (0.000083%); highest among the groups gnomAD compares: Admixed American, 0.0022%; no homozygotes.

Submission:

Labcorp Genetics (formerly Invitae), Labcorp
Classification: Uncertain significance for Wilms tumor 1. Last evaluated: 2023-08-09. Review status: criteria provided, single submitter. Criteria: Invitae Variant Classification Sherloc (09022015). Collection method: clinical testing. Allele origin: germline.
Comment: This sequence change replaces aspartic acid, which is acidic and polar, with glutamic acid, which is acidic and polar, at codon 251 of the GPC3 protein (p.Asp251Glu). This variant is present in population databases (rs770414070, gnomAD 0.004%). This variant has not been reported in the literature in individuals affected with GPC3-related conditions. ClinVar contains an entry for this variant (Variation ID: 963026). Advanced modeling of protein sequence and biophysical properties (such as structural, functional, and spatial information, amino acid conservation, physicochemical variation, residue mobility, and thermodynamic stability) performed at Invitae indicates that this missense variant is not expected to disrupt GPC3 protein function. In summary, the available evidence is currently insufficient to determine the role of this variant in disease. Therefore, it has been classified as a Variant of Uncertain Significance.

NM_004484.4(GPC3):c.753C>A (p.Asp251Glu)

Gene: GPC3 (glypican 3; minus strand). Cytogenetic location: Xq26.2.
Variant type: single nucleotide variant.
Coding change: c.753C>A on transcript NM_004484.4 (MANE Select); coding-DNA position 753, C replaced by A.
Protein change: p.Asp251Glu; replaces aspartic acid 251 with glutamic acid.
Molecular consequence: missense variant.
Genome position (GRCh38, 1-based): chrX:133,753,761, G>T on the plus strand (C>A on the coding strand, the complement: GPC3 is on the minus strand). VCF-style: chrX-133753761-G-T. GRCh37 (hg19) VCF-style: chrX-132887788-G-T.
Other names: c.753C>A, p.Asp251Glu (NM_001164617.2); c.705C>A, p.Asp235Glu (NM_001164618.2); c.591C>A, p.Asp197Glu (NM_001164619.2); short protein forms D251E, D235E, D197E.
Identifiers: ClinVar variation 963026 (VCV000963026.10), dbSNP rs770414070, ClinGen allele CA10520803.